The following is an entry in ClinVar:

ClinVar aggregate classification (germline): Uncertain significance (1 of 4 stars; one submission).

Conditions:
Hypertrophic cardiomyopathy. Also called: HYPERTROPHIC MYOCARDIOPATHY. Identifiers: Orphanet 217569, MedGen C0007194, MeSH D002312, MONDO:0005045, HP:0001639.

Submission:

All of Us Research Program, National Institutes of Health
Classification: Uncertain significance for Hypertrophic cardiomyopathy. Last evaluated: 2023-10-23. Review status: criteria provided, single submitter. Criteria: ACMG Guidelines, 2015. Collection method: clinical testing. Allele origin: germline. Inheritance: Autosomal dominant inheritance. Observed: 1 variant allele, 1 heterozygote.
Comment: This missense variant replaces asparagine with aspartic acid at codon 227 of the ACTC1 protein. Computational prediction suggests that this variant may not impact protein structure and function (internally defined REVEL score threshold <= 0.5, PMID: 27666373). To our knowledge, functional studies have not been reported for this variant. This variant has not been reported in individuals affected with ACTC1-related disorders in the literature. This variant has not been identified in the general population by the Genome Aggregation Database (gnomAD). The available evidence is insufficient to determine the role of this variant in disease conclusively. Therefore, this variant is classified as a Variant of Uncertain Significance.

This study involves interpretation of variants in research participants for the purpose of population health screening. Participant phenotype was not available at the time of variant classification. Additional details can be found in publication PMID: 35346344, PMCID: PMC8962531

NM_005159.5(ACTC1):c.679A>G (p.Asn227Asp)

Genes: ACTC1 (actin alpha cardiac muscle 1; minus strand), GJD2-DT (GJD2 divergent transcript; plus strand). Cytogenetic location: 15q14.
Variant type: single nucleotide variant.
Coding change: c.679A>G on transcript NM_005159.5 (MANE Select); coding-DNA position 679, A replaced by G.
Protein change: p.Asn227Asp; replaces asparagine 227 with aspartic acid.
Molecular consequence: missense variant.
Genome position (GRCh38, 1-based): chr15:34,792,219, T>C on the plus strand (A>G on the coding strand, the complement: ACTC1 is on the minus strand). VCF-style: chr15-34792219-T-C. GRCh37 (hg19) VCF-style: chr15-35084420-T-C.
Other names: c.679A>G, p.Asn227Asp (NM_001406482.1, NM_001406483.1); c.544A>G, p.Asn182Asp (NM_001406484.1); c.238A>G, p.Asn80Asp (NM_001406485.1); short protein forms N182D, N227D, N80D.
Identifiers: ClinVar variation 3074105 (VCV003074105.1), dbSNP rs2504180233, ClinGen allele CA391630589.